The following is an entry in ClinVar:

ClinVar aggregate classification (germline): Uncertain significance. Review status: criteria provided, multiple submitters, no conflicts (2 of 4 stars). 2 submissions from 2 submitters: Uncertain significance (2). Last evaluated 2025-06-23.

Allele frequency attached by ClinVar (database versions not stated): TOPMed below 0.00001; gnomAD 0.00001; gnomAD exomes 0.00001; ExAC 0.00002; 1000 Genomes Project 0.00020; 1000 Genomes Project 30x 0.00031.
gnomAD v4.1: 13 of 1,613,774 alleles (0.00081%); highest among the groups gnomAD compares: Admixed American, 0.0083%; 1 homozygote.

Submissions (2):

Ambry Genetics
Classification: Uncertain significance. Last evaluated: 2025-06-23. Review status: criteria provided, single submitter. Criteria: Ambry Variant Classification Scheme 2023. Collection method: clinical testing. Allele origin: germline.

Labcorp Genetics (formerly Invitae), Labcorp
Classification: Uncertain significance. Last evaluated: 2024-06-29. Review status: criteria provided, single submitter. Criteria: Invitae Variant Classification Sherloc (09022015). Collection method: clinical testing. Allele origin: germline.
Comment: This sequence change replaces asparagine, which is neutral and polar, with aspartic acid, which is acidic and polar, at codon 142 of the MICAL1 protein (p.Asn142Asp). This variant is present in population databases (rs199816639, gnomAD 0.02%). This variant has not been reported in the literature in individuals affected with MICAL1-related conditions. ClinVar contains an entry for this variant (Variation ID: 2173794). An algorithm developed to predict the effect of missense changes on protein structure and function (PolyPhen-2) suggests that this variant is likely to be disruptive. In summary, the available evidence is currently insufficient to determine the role of this variant in disease. Therefore, it has been classified as a Variant of Uncertain Significance.

NM_022765.4(MICAL1):c.367A>G (p.Asn123Asp)

Gene: MICAL1 (microtubule associated monooxygenase, calponin and LIM domain containing 1; minus strand). Cytogenetic location: 6q21.
Variant type: single nucleotide variant.
Coding change: c.367A>G on transcript NM_022765.4 (MANE Select); coding-DNA position 367, A replaced by G.
Protein change: p.Asn123Asp; replaces asparagine 123 with aspartic acid.
Molecular consequence: missense variant.
Genome position (GRCh38, 1-based): chr6:109,453,737, T>C on the plus strand (A>G on the coding strand, the complement: MICAL1 is on the minus strand). VCF-style: chr6-109453737-T-C. GRCh37 (hg19) VCF-style: chr6-109774940-T-C.
Other names: c.367A>G (NM_022765.3); c.367A>G, p.Asn123Asp (NM_001159291.2); c.424A>G, p.Asn142Asp (NM_001286613.2); short protein forms N123D, N142D.
Identifiers: ClinVar variation 2173794 (VCV002173794.5), dbSNP rs199816639, ClinGen allele CA3953804.